The following is an entry in ClinVar:

NM_000138.5(FBN1):c.2410dup (p.Thr804fs)

Gene: FBN1 (fibrillin 1; minus strand). Cytogenetic location: 15q21.1.
Variant type: Duplication.
Coding change: c.2410dup on transcript NM_000138.5 (MANE Select); coding-DNA position 2410, one base duplicated (A; older notation c.2410dupA).
Protein change: p.Thr804fs; shifts the reading frame from threonine 804.
Molecular consequence: frameshift variant.
Genome position (GRCh38, 1-based): chr15:48,496,109, T duplicated on the plus strand (A on the coding strand, the reverse complement: FBN1 is on the minus strand); the first of 5 consecutive T bases (chr15:48,496,109-48,496,113); duplicating any one gives the same sequence. VCF-style (leftmost placement, unchanged base first): chr15-48496108-G-GT. GRCh37 (hg19) VCF-style: chr15-48788305-G-GT.
Other names: c.2410dupA (NM_000138.4); short protein forms T804fs.
Identifiers: ClinVar variation 643068 (VCV000643068.9), dbSNP rs1597569560, ClinGen allele CA915946587.

ClinVar aggregate classification (germline): Pathogenic. Review status: criteria provided, multiple submitters, no conflicts (2 of 4 stars). 2 submissions from 2 submitters: Pathogenic (2). Last evaluated 2023-06-16.

Conditions:
Familial thoracic aortic aneurysm and aortic dissection (TAAD). Also called: Thoracic aortic aneurysms and dissections. Identifiers: Orphanet 91387, MedGen C4707243, MONDO:0019625.
Marfan syndrome (MFS). Also called: FBN1-Related Marfan Syndrome; Marfan syndrome type 1; Marfan's syndrome; Marfan syndrome, classic; MARFAN SYNDROME, TYPE I. Identifiers: Orphanet 284963, Orphanet 558, MedGen C0024796, MONDO:0007947, OMIM 154700.
FBN1-related disorder. Also called: FBN1-related disorders.

Submissions (2):

Blueprint Genetics
Classification: Pathogenic for FBN1-related disorders. Last evaluated: 2023-06-16. Review status: criteria provided, single submitter. Criteria: ACMG Guidelines, 2015. Collection method: clinical testing. Allele origin: germline. Affected: yes. Observed: 2 variant alleles.

Labcorp Genetics (formerly Invitae), Labcorp
Classification: Pathogenic for Marfan syndrome; Familial thoracic aortic aneurysm and aortic dissection. Last evaluated: 2018-08-13. Review status: criteria provided, single submitter. Criteria: Invitae Variant Classification Sherloc (09022015). Collection method: clinical testing. Allele origin: germline.
Comment: For these reasons, this variant has been classified as Pathogenic. Loss-of-function variants in FBN1 are known to be pathogenic (PMID: 17657824, 19293843). This variant is not present in population databases (ExAC no frequency). This sequence change creates a premature translational stop signal (p.Thr804Asnfs*3) in the FBN1 gene. It is expected to result in an absent or disrupted protein product.

Literature cited by the submitters: PubMed 17657824 (cited by Labcorp Genetics (formerly Invitae), Labcorp); PubMed 19293843 (cited by Labcorp Genetics (formerly Invitae), Labcorp).